The following is an entry in ClinVar:

NM_002055.5(GFAP):c.236G>T (p.Arg79Leu)

Gene: GFAP (glial fibrillary acidic protein; minus strand). Cytogenetic location: 17q21.31.
Variant type: single nucleotide variant.
Coding change: c.236G>T on transcript NM_002055.5 (MANE Select); coding-DNA position 236, G replaced by T.
Protein change: p.Arg79Leu; replaces arginine 79 with leucine.
Molecular consequence: missense variant.
Genome position (GRCh38, 1-based): chr17:44,915,251, C>A on the plus strand (G>T on the coding strand, the complement: GFAP is on the minus strand). VCF-style: chr17-44915251-C-A. GRCh37 (hg19) VCF-style: chr17-42992619-C-A.
Other names: c.236G>T, p.Arg79Leu (NM_001131019.3, NM_001242376.3, NM_001363846.2); short protein forms R79L.
Identifiers: ClinVar variation 66472 (VCV000066472.3), dbSNP rs59285727, ClinGen allele CA217169.

ClinVar aggregate classification (germline): Pathogenic. Review status: criteria provided, single submitter (1 of 4 stars). 3 submissions from 3 submitters: Pathogenic (1). 2 of the submissions do not count toward it. Last evaluated 2025-09-10.

Conditions:
Alexander disease (ALXDRD). Also called: Alexander's disease. Identifiers: Orphanet 58, MedGen C0270726, MONDO:0008752, OMIM 203450.

Submissions (3):

Labcorp Genetics (formerly Invitae), Labcorp
Classification: Pathogenic. Last evaluated: 2025-09-10. Review status: criteria provided, single submitter. Criteria: Invitae Variant Classification Sherloc (09022015). Collection method: clinical testing. Allele origin: germline.
Comment: This sequence change replaces arginine, which is basic and polar, with leucine, which is neutral and non-polar, at codon 79 of the GFAP protein (p.Arg79Leu). This variant is not present in population databases (gnomAD no frequency). This missense change has been observed in individual(s) with Alexander disease (PMID: 12581808, 23364391). In at least one individual the variant was observed to be de novo. ClinVar contains an entry for this variant (Variation ID: 66472). Invitae Evidence Modeling of protein sequence and biophysical properties (such as structural, functional, and spatial information, amino acid conservation, physicochemical variation, residue mobility, and thermodynamic stability) indicates that this missense variant is expected to disrupt GFAP protein function with a positive predictive value of 95%. This variant disrupts the p.Arg79 amino acid residue in GFAP. Other variant(s) that disrupt this residue have been determined to be pathogenic (PMID: 11138011, 18584981, 23254569, 28882119). This suggests that this residue is clinically significant, and that variants that disrupt this residue are likely to be disease-causing. For these reasons, this variant has been classified as Pathogenic.

Epithelial Biology;  Institute of Medical Biology, Singapore
No classification provided. Review status: no classification provided. Collection method: not provided. Allele origin: not provided. Not counted in ClinVar's aggregate classification.

GeneReviews
No classification provided. Condition: Alexander disease. Review status: no classification provided. Collection method: literature only. Allele origin: germline. Affected: yes. Not counted in ClinVar's aggregate classification.

Literature cited by the submitters: PubMed 12581808 (cited by Labcorp Genetics (formerly Invitae), Labcorp and GeneReviews); PubMed 23364391 (cited by Labcorp Genetics (formerly Invitae), Labcorp); PubMed 11138011 (cited by Labcorp Genetics (formerly Invitae), Labcorp); PubMed 18584981 (cited by Labcorp Genetics (formerly Invitae), Labcorp); PubMed 23254569 (cited by Labcorp Genetics (formerly Invitae), Labcorp); PubMed 28882119 (cited by Labcorp Genetics (formerly Invitae), Labcorp); PubMed 21533827 (cited by GeneReviews); NCBI Bookshelf NBK1172 (cited by GeneReviews).